The following is an entry in ClinVar:

ClinVar aggregate classification (germline): Uncertain significance (1 of 4 stars; one submission).

Allele frequency attached by ClinVar (database versions not stated): gnomAD exomes 0.00001.
gnomAD v4.1: 3 of 1,614,232 alleles (0.00019%); highest among the groups gnomAD compares: Admixed American, 0.005%; no homozygotes.

Submission:

Labcorp Genetics (formerly Invitae), Labcorp
Classification: Uncertain significance. Last evaluated: 2022-04-12. Review status: criteria provided, single submitter. Criteria: Invitae Variant Classification Sherloc (09022015). Collection method: clinical testing. Allele origin: germline.
Comment: This sequence change replaces isoleucine, which is neutral and non-polar, with methionine, which is neutral and non-polar, at codon 46 of the ATP2B2 protein (p.Ile46Met). In summary, the available evidence is currently insufficient to determine the role of this variant in disease. Therefore, it has been classified as a Variant of Uncertain Significance. Advanced modeling of protein sequence and biophysical properties (such as structural, functional, and spatial information, amino acid conservation, physicochemical variation, residue mobility, and thermodynamic stability) performed at Invitae indicates that this missense variant is not expected to disrupt ATP2B2 protein function. This variant has not been reported in the literature in individuals affected with ATP2B2-related conditions. This variant is present in population databases (no rsID available, gnomAD 0.006%).

NM_001001331.4(ATP2B2):c.138C>G (p.Ile46Met)

Gene: ATP2B2 (ATPase plasma membrane Ca2+ transporting 2; minus strand). Cytogenetic location: 3p25.3.
Variant type: single nucleotide variant.
Coding change: c.138C>G on transcript NM_001001331.4 (MANE Select); coding-DNA position 138, C replaced by G.
Protein change: p.Ile46Met; replaces isoleucine 46 with methionine.
Molecular consequence: missense variant.
Genome position (GRCh38, 1-based): chr3:10,449,406, G>C on the plus strand (C>G on the coding strand, the complement: ATP2B2 is on the minus strand). VCF-style: chr3-10449406-G-C. GRCh37 (hg19) VCF-style: chr3-10491090-G-C.
Other names: c.138C>G, p.Ile46Met (NM_001330611.3, NM_001353564.1, NM_001363862.1 and 1 more transcripts); short protein forms I46M.
Identifiers: ClinVar variation 2167971 (VCV002167971.4), dbSNP rs1369127683, ClinGen allele CA351782733.
Genomic context (GRCh38, chr3:10,449,406, plus strand): 5'-TTCAACAGGTGAGGTTTTGAGGCGCCGGCAGATGGCTTCGGTGTCCCCATAAGTCTCCTT[G>C]ATCTTGACCACAGCCTCAGTGCCCCGCAGCTCCATGAGGGAGCGGAGCTCCTCCATTGTG-3'
Protein context (NP_001001331.1, residues 36-56): ELRGTEAVVK[Ile46Met]KETYGDTEAI